The following is an entry in ClinVar:

ClinVar aggregate classification (germline): Uncertain significance (1 of 4 stars; one submission).

Conditions:
Myoclonic dystonia 11 (DYT11). Also called: DYT-SGCE; Myoclonic dystonia; Dystonia 11; Dystonia, alcohol responsive; Hereditary essential myoclonus; SGCE Myoclonus-Dystonia. Identifiers: Orphanet 36899, MedGen C1834570, MONDO:0008044, OMIM 159900.

Submission:

Labcorp Genetics (formerly Invitae), Labcorp
Classification: Uncertain significance for Myoclonic dystonia 11. Last evaluated: 2022-07-06. Review status: criteria provided, single submitter. Criteria: Invitae Variant Classification Sherloc (09022015). Collection method: clinical testing. Allele origin: germline.
Comment: In summary, the available evidence is currently insufficient to determine the role of this variant in disease. Therefore, it has been classified as a Variant of Uncertain Significance. Algorithms developed to predict the effect of missense changes on protein structure and function are either unavailable or do not agree on the potential impact of this missense change (SIFT: "Deleterious"; PolyPhen-2: "Possibly Damaging"; Align-GVGD: "Class C0"). This variant has not been reported in the literature in individuals affected with SGCE-related conditions. This variant is not present in population databases (gnomAD no frequency). This sequence change replaces glycine, which is neutral and non-polar, with arginine, which is basic and polar, at codon 291 of the SGCE protein (p.Gly291Arg).

NM_003919.3(SGCE):c.871G>A (p.Gly291Arg)

Genes: CASD1 (CAS1 domain sialic acid O acetyltransferase 1; plus strand), SGCE (sarcoglycan epsilon; minus strand). Cytogenetic location: 7q21.3.
Variant type: single nucleotide variant.
Coding change: c.871G>A on transcript NM_003919.3 (MANE Select); coding-DNA position 871, G replaced by A.
Protein change: p.Gly291Arg; replaces glycine 291 with arginine.
Molecular consequence: missense variant.
Genome position (GRCh38, 1-based): chr7:94,600,812, C>T on the plus strand (G>A on the coding strand, the complement: SGCE is on the minus strand). VCF-style: chr7-94600812-C-T. GRCh37 (hg19) VCF-style: chr7-94230124-C-T.
Other names: c.871G>A, p.Gly291Arg (NM_001099401.2, NM_001346717.2, NM_001099400.2); c.748G>A, p.Gly250Arg (NM_001301139.2, NM_001362809.2); c.979G>A, p.Gly327Arg (NM_001346713.2, NM_001346715.2); c.784G>A, p.Gly262Arg (NM_001346719.2, NM_001362807.2); c.598G>A, p.Gly200Arg (NM_001346720.2, NM_001362808.2); short protein forms G200R, G250R, G262R, G291R, G327R.
Identifiers: ClinVar variation 2014569 (VCV002014569.4), dbSNP rs2484945282, ClinGen allele CA368231227.